The following is an entry in ClinVar:

ClinVar aggregate classification (germline): Uncertain significance (1 of 4 stars; one submission).

Conditions:
Developmental and epileptic encephalopathy, 36 (DEE36). Also called: Congenital disorder of glycosylation, type Is; Epileptic encephalopathy, early infantile, 36; ALG13-CDG. Identifiers: Orphanet 324422, MedGen C4317295, MONDO:0010472, OMIM 300884.

Submission:

Labcorp Genetics (formerly Invitae), Labcorp
Classification: Uncertain significance for Developmental and epileptic encephalopathy, 36. Last evaluated: 2022-09-01. Review status: criteria provided, single submitter. Criteria: Invitae Variant Classification Sherloc (09022015). Collection method: clinical testing. Allele origin: germline.
Comment: In summary, the available evidence is currently insufficient to determine the role of this variant in disease. Therefore, it has been classified as a Variant of Uncertain Significance. Algorithms developed to predict the effect of missense changes on protein structure and function are either unavailable or do not agree on the potential impact of this missense change (SIFT: "Tolerated"; PolyPhen-2: "Possibly Damaging"; Align-GVGD: "Class C0"). ClinVar contains an entry for this variant (Variation ID: 847563). This variant has not been reported in the literature in individuals affected with ALG13-related conditions. This variant is not present in population databases (gnomAD no frequency). This sequence change replaces serine, which is neutral and polar, with threonine, which is neutral and polar, at codon 693 of the ALG13 protein (p.Ser693Thr).

NM_001099922.3(ALG13):c.2077T>A (p.Ser693Thr)

Gene: ALG13 (ALG13 UDP-N-acetylglucosaminyltransferase subunit; plus strand). Cytogenetic location: Xq23.
Variant type: single nucleotide variant.
Coding change: c.2077T>A on transcript NM_001099922.3 (MANE Select); coding-DNA position 2077, T replaced by A.
Protein change: p.Ser693Thr; replaces serine 693 with threonine.
Molecular consequence: missense variant. On other transcripts: non-coding transcript variant (1).
Genome position (GRCh38, 1-based): chrX:111,727,432, T>A. VCF-style: chrX-111727432-T-A. GRCh37 (hg19) VCF-style: chrX-110970660-T-A.
Other names: c.1765T>A, p.Ser589Thr (NM_001257230.2, NM_001257234.2, NM_001257237.2); c.1843T>A, p.Ser615Thr (NM_001257231.2); c.2077T>A, p.Ser693Thr (NM_001324292.2); c.1591T>A, p.Ser531Thr (NM_001324293.1); short protein forms S531T, S693T, S589T, S615T.
Identifiers: ClinVar variation 847563 (VCV000847563.13), dbSNP rs1942193577, ClinGen allele CA414253210.
Genomic context (GRCh38, chrX:111,727,432, plus strand): 5'-CCTAAAGTTGATTTTTACCCAGGCCCAGGTAAAAGGTGCTGCCAGAGCTATGATAACTTC[T>A]CTTATAGATCTCGGTAAGTATTGTGTTGAAAGTCAGAGAAAATTGGTAAGTCTGATTTCA-3'
Protein context (NP_001093392.1, residues 683-703): KRCCQSYDNF[Ser693Thr]YRSRSFRRSH